The following is an entry in ClinVar:

ClinVar aggregate classification (germline): Pathogenic (1 of 4 stars; one submission).

Submission:

Labcorp Genetics (formerly Invitae), Labcorp
Classification: Pathogenic. Last evaluated: 2023-03-23. Review status: criteria provided, single submitter. Criteria: Invitae Variant Classification Sherloc (09022015). Collection method: clinical testing. Allele origin: germline.
Comment: This sequence change creates a premature translational stop signal (p.Gln455*) in the LEMD3 gene. It is expected to result in an absent or disrupted protein product. Loss-of-function variants in LEMD3 are known to be pathogenic (PMID: 15489854, 19438932). This variant is not present in population databases (gnomAD no frequency). This premature translational stop signal has been observed in individual(s) with elastic tissue nevi (PMID: 27007781). ClinVar contains an entry for this variant (Variation ID: 1068772). For these reasons, this variant has been classified as Pathogenic.

Literature cited by the submitters: PubMed 15489854; PubMed 19438932; PubMed 27007781.

NM_014319.5(LEMD3):c.1363C>T (p.Gln455Ter)

Gene: LEMD3 (LEM domain containing 3; plus strand). Cytogenetic location: 12q14.3.
Variant type: single nucleotide variant.
Coding change: c.1363C>T on transcript NM_014319.5 (MANE Select); coding-DNA position 1363, C replaced by T.
Protein change: p.Gln455Ter; replaces glutamine 455 with a stop codon.
Molecular consequence: nonsense.
Genome position (GRCh38, 1-based): chr12:65,170,959, C>T. VCF-style: chr12-65170959-C-T. GRCh37 (hg19) VCF-style: chr12-65564739-C-T.
Other names: c.1363C>T, p.Gln455Ter (NM_001167614.2); short protein forms Q455*.
Identifiers: ClinVar variation 1068772 (VCV001068772.9), dbSNP rs2136313631, ClinGen allele CA385676080.